The following is an entry in ClinVar:

NM_006180.6(NTRK2):c.337A>G (p.Lys113Glu)

Gene: NTRK2 (neurotrophic receptor tyrosine kinase 2; plus strand). Cytogenetic location: 9q21.33.
Variant type: single nucleotide variant.
Coding change: c.337A>G on transcript NM_006180.6 (MANE Select); coding-DNA position 337, A replaced by G.
Protein change: p.Lys113Glu; replaces lysine 113 with glutamic acid.
Molecular consequence: missense variant. On other transcripts: 5 prime UTR variant (4).
Genome position (GRCh38, 1-based): chr9:84,702,397, A>G. VCF-style: chr9-84702397-A-G. GRCh37 (hg19) VCF-style: chr9-87317312-A-G.
Other names: c.337A>G, p.Lys113Glu (NM_001369532.1, NM_001369533.1, NM_001369534.1 and 19 more transcripts); c.-132A>G (NM_001369535.1, NM_001369536.1, NM_001369550.1 and 1 more transcripts); c.337A>G (NM_006180.4); short protein forms K113E.
Identifiers: ClinVar variation 3011530 (VCV003011530.4), dbSNP rs2491521511, ClinGen allele CA374005285.

ClinVar aggregate classification (germline): Uncertain significance. Review status: criteria provided, multiple submitters, no conflicts (2 of 4 stars). 2 submissions from 2 submitters: Uncertain significance (2). Last evaluated 2025-01-28.

Conditions:
NTRK2-related disorder. Also called: NTRK2-related condition.

Submissions (2):

PreventionGenetics, part of Exact Sciences
Classification: Uncertain significance for NTRK2-related condition. Last evaluated: 2025-01-28. Review status: criteria provided, single submitter. Criteria: ACMG Guidelines, 2015. Collection method: clinical testing. Allele origin: germline.
Comment: The NTRK2 c.337A>G variant is predicted to result in the amino acid substitution p.Lys113Glu. To our knowledge, this variant has not been reported in the literature or in a large population database (gnomAD), indicating this variant is rare. At this time, the clinical significance of this variant is uncertain due to the absence of conclusive functional and genetic evidence.

Labcorp Genetics (formerly Invitae), Labcorp
Classification: Uncertain significance. Last evaluated: 2023-06-27. Review status: criteria provided, single submitter. Criteria: Invitae Variant Classification Sherloc (09022015). Collection method: clinical testing. Allele origin: germline.
Comment: This sequence change replaces lysine, which is basic and polar, with glutamic acid, which is acidic and polar, at codon 113 of the NTRK2 protein (p.Lys113Glu). This variant is not present in population databases (gnomAD no frequency). This variant has not been reported in the literature in individuals affected with NTRK2-related conditions. Advanced modeling of protein sequence and biophysical properties (such as structural, functional, and spatial information, amino acid conservation, physicochemical variation, residue mobility, and thermodynamic stability) performed at Invitae indicates that this missense variant is not expected to disrupt NTRK2 protein function. In summary, the available evidence is currently insufficient to determine the role of this variant in disease. Therefore, it has been classified as a Variant of Uncertain Significance.